The following is an entry in ClinVar:

ClinVar aggregate classification (germline): Benign. Review status: criteria provided, multiple submitters, no conflicts (2 of 4 stars). 5 submissions from 5 submitters: Benign (4). 1 of the submissions does not count toward it. Last evaluated 2026-01-27.

Conditions:
Emery-Dreifuss muscular dystrophy 5, autosomal dominant (EDMD5). Also called: EMERY-DREIFUSS MUSCULAR DYSTROPHY 5. Identifiers: Orphanet 261, MedGen C2751805, MONDO:0013072, OMIM 612999.
SYNE2-related disorder. Also called: SYNE2-related condition.

Allele frequency attached by ClinVar (database versions not stated): ESP Exome Variant Server 0.00592; TOPMed 0.00601; gnomAD 0.00622; 1000 Genomes Project 0.00699; 1000 Genomes Project 30x 0.00703.
gnomAD v4.1: 1,826 of 1,614,042 alleles (0.11%); highest among the groups gnomAD compares: African/African-American, 2.1%; 18 homozygotes.

Submissions (5):

Labcorp Genetics (formerly Invitae), Labcorp
Classification: Benign for Emery-Dreifuss muscular dystrophy 5, autosomal dominant. Last evaluated: 2026-01-27. Review status: criteria provided, single submitter. Criteria: Invitae Variant Classification Sherloc (09022015). Collection method: clinical testing. Allele origin: germline.

Athena Diagnostics
Classification: Benign. Last evaluated: 2024-04-15. Review status: criteria provided, single submitter. Criteria: Athena Diagnostics Criteria. Collection method: clinical testing. Allele origin: unknown.

Illumina Laboratory Services, Illumina
Classification: Benign for Emery-Dreifuss muscular dystrophy 5, autosomal dominant. Last evaluated: 2018-01-13. Review status: criteria provided, single submitter. Criteria: ICSL Variant Classification Criteria 13 December 2019. Collection method: clinical testing. Allele origin: germline.
Comment: This variant was observed in the ICSL laboratory as part of a predisposition screen in an ostensibly healthy population. It had not been previously curated by ICSL or reported in the Human Gene Mutation Database (HGMD: prior to June 1st, 2018), and was therefore a candidate for classification through an automated scoring system. Utilizing variant allele frequency, disease prevalence and penetrance estimates, and inheritance mode, an automated score was calculated to assess if this variant is too frequent to cause the disease. Based on the score and internal cut-off values, a variant classified as benign is not then subjected to further curation. The score for this variant resulted in a classification of benign for this disease.

Breakthrough Genomics
Classification: Benign. Review status: criteria provided, single submitter. Criteria: ACMG Guidelines, 2015. Collection method: not provided. Allele origin: germline. Inheritance: Autosomal dominant inheritance. Affected: yes.

PreventionGenetics, part of Exact Sciences
Classification: Benign for SYNE2-related condition. Last evaluated: 2019-03-19. Review status: no assertion criteria provided. Collection method: clinical testing. Allele origin: germline. Not counted in ClinVar's aggregate classification.
Comment: This variant is classified as benign based on ACMG/AMP sequence variant interpretation guidelines (Richards et al. 2015 PMID: 25741868, with internal and published modifications).

NM_182914.3(SYNE2):c.15256C>T (p.His5086Tyr)

Gene: SYNE2 (spectrin repeat containing nuclear envelope protein 2; plus strand). Cytogenetic location: 14q23.2.
Variant type: single nucleotide variant.
Coding change: c.15256C>T on transcript NM_182914.3 (MANE Select); coding-DNA position 15256, C replaced by T.
Protein change: p.His5086Tyr; replaces histidine 5086 with tyrosine.
Molecular consequence: missense variant.
Genome position (GRCh38, 1-based): chr14:64,142,038, C>T. VCF-style: chr14-64142038-C-T. GRCh37 (hg19) VCF-style: chr14-64608756-C-T.
Other names: c.15256C>T, p.His5086Tyr (NM_015180.6); short protein forms H5086Y.
Identifiers: ClinVar variation 313607 (VCV000313607.20), dbSNP rs2039475, ClinGen allele CA7223030.
Genomic context (GRCh38, chr14:64,142,038, plus strand): 5'-ACAGAAATGATTAGCTGGATGAACAATGTGGAGCATCAAACTTCAGATGAAGACTCCGTG[C>T]ATTCACCAAGTTCTGCATCTCAAGTTAAACATCTTCTTCAGAAGCACAAGGTAATTATGC-3'
Protein context (NP_878918.2, residues 5076-5096): EHQTSDEDSV[His5086Tyr]SPSSASQVKH